The following is an entry in ClinVar:

ClinVar aggregate classification (germline): Uncertain significance. Review status: criteria provided, multiple submitters, no conflicts (2 of 4 stars). 2 submissions from 2 submitters: Uncertain significance (2). Last evaluated 2025-03-03.

Conditions:
Alpha thalassemia-X-linked intellectual disability syndrome (ATRX). Also called: ALPHA-THALASSEMIA/MENTAL RETARDATION SYNDROME, X-LINKED; ATR, NONDELETION TYPE; ATR-X syndrome; Alpha thalassemia mental retardation syndrome, nondeletion type, X-linked; XLMR hypotonic face syndrome; X-linked alpha-thalassemia-mental retardation syndrome. Identifiers: Orphanet 847, MedGen C1845055, MONDO:0010519, OMIM 301040.

Submissions (2):

GeneDx
Classification: Uncertain significance. Last evaluated: 2025-03-03. Review status: criteria provided, single submitter. Criteria: GeneDx Variant Classification Process June 2021. Collection method: clinical testing. Allele origin: germline. Affected: yes.
Comment: In silico analysis indicates that this missense variant does not alter protein structure/function; Not observed at significant frequency in large population cohorts (gnomAD); Has not been previously reported as a pathogenic or benign germline variant to our knowledge; This variant is associated with the following publications: (PMID: 36089578)

Labcorp Genetics (formerly Invitae), Labcorp
Classification: Uncertain significance for Alpha thalassemia-X-linked intellectual disability syndrome. Last evaluated: 2024-10-15. Review status: criteria provided, single submitter. Criteria: Invitae Variant Classification Sherloc (09022015). Collection method: clinical testing. Allele origin: germline.
Comment: This sequence change replaces glutamic acid, which is acidic and polar, with lysine, which is basic and polar, at codon 2105 of the ATRX protein (p.Glu2105Lys). This variant is not present in population databases (gnomAD no frequency). This variant has not been reported in the literature in individuals affected with ATRX-related conditions. Invitae Evidence Modeling of protein sequence and biophysical properties (such as structural, functional, and spatial information, amino acid conservation, physicochemical variation, residue mobility, and thermodynamic stability) indicates that this missense variant is not expected to disrupt ATRX protein function with a negative predictive value of 95%. In summary, the available evidence is currently insufficient to determine the role of this variant in disease. Therefore, it has been classified as a Variant of Uncertain Significance.

NM_000489.6(ATRX):c.6313G>A (p.Glu2105Lys)

Gene: ATRX (ATRX chromatin remodeler; minus strand). Cytogenetic location: Xq21.1.
Variant type: single nucleotide variant.
Coding change: c.6313G>A on transcript NM_000489.6 (MANE Select); coding-DNA position 6313, G replaced by A.
Protein change: p.Glu2105Lys; replaces glutamic acid 2105 with lysine.
Molecular consequence: missense variant.
Genome position (GRCh38, 1-based): chrX:77,574,263, C>T on the plus strand (G>A on the coding strand, the complement: ATRX is on the minus strand). VCF-style: chrX-77574263-C-T. GRCh37 (hg19) VCF-style: chrX-76829728-C-T.
Other names: c.6199G>A, p.Glu2067Lys (NM_138270.5); c.6313G>A (NM_000489.3); short protein forms E2067K, E2105K.
Identifiers: ClinVar variation 3685064 (VCV003685064.3).